The following is an entry in ClinVar:

NM_003640.5(ELP1):c.2947C>T (p.Gln983Ter)

Gene: ELP1 (elongator acetyltransferase complex subunit 1; minus strand). Cytogenetic location: 9q31.3.
Variant type: single nucleotide variant.
Coding change: c.2947C>T on transcript NM_003640.5 (MANE Select); coding-DNA position 2947, C replaced by T.
Protein change: p.Gln983Ter; replaces glutamine 983 with a stop codon.
Molecular consequence: nonsense.
Genome position (GRCh38, 1-based): chr9:108,892,997, G>A on the plus strand (C>T on the coding strand, the complement: ELP1 is on the minus strand). VCF-style: chr9-108892997-G-A. GRCh37 (hg19) VCF-style: chr9-111655277-G-A.
Other names: c.2605C>T, p.Gln869Ter (NM_001318360.2); c.1900C>T, p.Gln634Ter (NM_001330749.2); short protein forms Q634*, Q869*, Q983*.
Identifiers: ClinVar variation 4815212 (VCV004815212.1).

ClinVar aggregate classification (germline): Likely pathogenic (1 of 4 stars; one submission).

Conditions:
Familial dysautonomia. Also called: HSAN III; FD. Identifiers: Orphanet 1764, MedGen C0013364, MONDO:0009131, OMIM 223900. Disease mechanism: loss of function.

Submission:

Natera, Inc.
Classification: Likely pathogenic for Familial dysautonomia. Last evaluated: 2024-12-05. Review status: criteria provided, single submitter. Criteria: Natera Variant Classification Schema (03/2026). Collection method: clinical testing. Allele origin: germline.
Comment: The c.2947C>T variant in ELP1 is a nonsense variant predicted to introduce a stop codon at amino acid 983. This variant is expected to result in nonsense mediated decay, truncation, or a dysfunctional protein product. This variant is rare in the general population with a frequency below the threshold expected for the associated phenotype(s). Given the available evidence, this variant is classified as Likely Pathogenic.